The following is an entry in ClinVar:

ClinVar aggregate classification (germline): Likely pathogenic (1 of 4 stars; one submission).

Conditions:
Usher syndrome type 2A. Also called: RETINAL DISEASE IN USHER SYNDROME TYPE IIA, MODIFIER OF; USHER SYNDROME, TYPE IIA. Identifiers: Orphanet 231178, Orphanet 886, MedGen C1848634, MONDO:0010169, OMIM 276901.

Submission:

Natera, Inc.
Classification: Likely pathogenic for Usher syndrome type 2A. Last evaluated: 2025-05-18. Review status: criteria provided, single submitter. Criteria: Natera Variant Classification Schema (03/2026). Collection method: clinical testing. Allele origin: germline.
Comment: The c.2680_2693del variant in USH2A is a frameshift variant predicted to shift the reading frame beginning at codon 894 and leads to a stop codon 3 codons downstream. This variant is expected to result in nonsense mediated decay, truncation, or a dysfunctional protein product. This variant is rare in the general population with a frequency below the threshold expected for the associated phenotype(s). Given the available evidence, this variant is classified as Likely Pathogenic.

NM_206933.4(USH2A):c.2680_2693del (p.Phe894fs)

Genes: USH2A (usherin; minus strand), LOC122152296 (Sharpr-MPRA regulatory region 8762; plus strand). Cytogenetic location: 1q41.
Variant type: Deletion.
Coding change: c.2680_2693del on transcript NM_206933.4 (MANE Select); coding-DNA positions 2680 to 2693, 14 bases deleted (TTTCAACACTGCCA).
Protein change: p.Phe894fs; shifts the reading frame from phenylalanine 894.
Molecular consequence: frameshift variant.
Genome position (GRCh38, 1-based): chr1:216,246,701-216,246,714, TGGCAGTGTTGAAA deleted on the plus strand (TTTCAACACTGCCA on the coding strand, the reverse complement: USH2A is on the minus strand). VCF-style (leftmost placement, unchanged base first): chr1-216246700-CTGGCAGTGTTGAAA-C. GRCh37 (hg19) VCF-style: chr1-216420042-CTGGCAGTGTTGAAA-C.
Other names: c.2680_2693del, p.Phe894fs (NM_007123.6); short protein forms F894fs.
Identifiers: ClinVar variation 4062565 (VCV004062565.2).